The following is an entry in ClinVar:

ClinVar aggregate classification (germline): Pathogenic (1 of 4 stars; one submission).

Conditions:
Neurofibromatosis, type 1 (NF1). Also called: VON RECKLINGHAUSEN DISEASE; Peripheral type neurofibromatosis; Neurofibromatosis, type I; NEUROFIBROMATOSIS, TYPE I, SOMATIC. Identifiers: Orphanet 636, MedGen C0027831, MONDO:0018975, OMIM 162200. Disease mechanism: loss of function.

Submission:

Labcorp Genetics (formerly Invitae), Labcorp
Classification: Pathogenic for Neurofibromatosis, type 1. Last evaluated: 2025-02-06. Review status: criteria provided, single submitter. Criteria: Invitae Variant Classification Sherloc (09022015). Collection method: clinical testing. Allele origin: germline.
Comment: This sequence change creates a premature translational stop signal (p.Glu1495*) in the NF1 gene. It is expected to result in an absent or disrupted protein product. Loss-of-function variants in NF1 are known to be pathogenic (PMID: 10712197, 23913538). This variant is not present in population databases (gnomAD no frequency). This variant has not been reported in the literature in individuals affected with NF1-related conditions. ClinVar contains an entry for this variant (Variation ID: 216064). For these reasons, this variant has been classified as Pathogenic.

Literature cited by the submitters: PubMed 10712197; PubMed 23913538.

NM_001042492.3(NF1):c.4546G>T (p.Glu1516Ter)

Gene: NF1 (neurofibromin 1; plus strand). Cytogenetic location: 17q11.2.
Variant type: single nucleotide variant.
Coding change: c.4546G>T on transcript NM_001042492.3 (MANE Select); coding-DNA position 4546, G replaced by T.
Protein change: p.Glu1516Ter; replaces glutamic acid 1516 with a stop codon.
Molecular consequence: nonsense.
Genome position (GRCh38, 1-based): chr17:31,260,484, G>T. VCF-style: chr17-31260484-G-T. GRCh37 (hg19) VCF-style: chr17-29587502-G-T.
Other names: c.4483G>T, p.Glu1495Ter (NM_000267.4); short protein forms E1495*, E1516*.
Identifiers: ClinVar variation 216064 (VCV000216064.7), dbSNP rs786203390, ClinGen allele CA339196.
Genomic context (GRCh38, chr17:31,260,484, plus strand): 5'-CTTTCCTTCATAAGTGACGGCAATGTGCTTGCTTTACATCGTCTACTCTGGAACAATCAG[G>T]AGAAAATTGGGCAGTATCTTTCCAGCAACAGGTAAGATTTCCCAGTCATGGGGATAGTGA-3'